The following is an entry in ClinVar:

ClinVar aggregate classification (germline): Pathogenic (1 of 4 stars; one submission).

Conditions:
Alagille syndrome due to a JAG1 point mutation. Also called: Alagille Syndrome 1; HEPATIC DUCTULAR HYPOPLASIA, SYNDROMATIC; JAG1-Related Alagille Syndrome. Identifiers: Orphanet 261619, Orphanet 52, MedGen C1956125, MONDO:0016862, OMIM 118450.

Submission:

Labcorp Genetics (formerly Invitae), Labcorp
Classification: Pathogenic for Alagille syndrome due to a JAG1 point mutation. Last evaluated: 2022-01-04. Review status: criteria provided, single submitter. Criteria: Invitae Variant Classification Sherloc (09022015). Collection method: clinical testing. Allele origin: germline.
Comment: For these reasons, this variant has been classified as Pathogenic. This variant has not been reported in the literature in individuals affected with JAG1-related conditions. This variant is not present in population databases (gnomAD no frequency). This sequence change creates a premature translational stop signal (p.Met42Cysfs*4) in the JAG1 gene. It is expected to result in an absent or disrupted protein product. Loss-of-function variants in JAG1 are known to be pathogenic (PMID: 11180599).

Literature cited by the submitters: PubMed 11180599.

NM_000214.3(JAG1):c.123del (p.Met42fs)

Gene: JAG1 (jagged canonical Notch ligand 1; minus strand). Cytogenetic location: 20p12.2.
Variant type: Deletion.
Coding change: c.123del on transcript NM_000214.3 (MANE Select); coding-DNA position 123, one base deleted (C; older notation c.123delC).
Protein change: p.Met42fs; shifts the reading frame from methionine 42.
Molecular consequence: frameshift variant.
Genome position (GRCh38, 1-based): chr20:10,672,965, G deleted on the plus strand (C on the coding strand, the reverse complement: JAG1 is on the minus strand); the first of 2 consecutive G bases (chr20:10,672,965-10,672,966); deleting either gives the same sequence. VCF-style (leftmost placement, unchanged base first): chr20-10672964-TG-T. GRCh37 (hg19) VCF-style: chr20-10653612-TG-T.
Other names: short protein forms M42fs.
Identifiers: ClinVar variation 2073962 (VCV002073962.4), dbSNP rs2514538103, ClinGen allele CA2580097863.